The following is an entry in ClinVar:

NM_001365999.1(SZT2):c.7453C>T (p.Arg2485Trp)

Gene: SZT2 (SZT2 subunit of KICSTOR complex; plus strand). Cytogenetic location: 1p34.2.
Variant type: single nucleotide variant.
Coding change: c.7453C>T on transcript NM_001365999.1 (MANE Select); coding-DNA position 7453, C replaced by T.
Protein change: p.Arg2485Trp; replaces arginine 2485 with tryptophan.
Molecular consequence: missense variant.
Genome position (GRCh38, 1-based): chr1:43,441,322, C>T. VCF-style: chr1-43441322-C-T. GRCh37 (hg19) VCF-style: chr1-43906993-C-T.
Other names: c.7282C>T, p.Arg2428Trp (NM_015284.4); short protein forms R2428W, R2485W.
Identifiers: ClinVar variation 1007874 (VCV001007874.5), dbSNP rs1034287121, ClinGen allele CA21646219.

ClinVar aggregate classification (germline): Uncertain significance (1 of 4 stars; one submission).

Allele frequency attached by ClinVar (database versions not stated): gnomAD 0.00001; TOPMed 0.00001.
gnomAD v4.1: 11 of 1,614,058 alleles (0.00068%); highest among the groups gnomAD compares: African/African-American, 0.0027%; no homozygotes.

Submission:

Labcorp Genetics (formerly Invitae), Labcorp
Classification: Uncertain significance. Last evaluated: 2022-09-01. Review status: criteria provided, single submitter. Criteria: Invitae Variant Classification Sherloc (09022015). Collection method: clinical testing. Allele origin: germline.
Comment: This sequence change replaces arginine, which is basic and polar, with tryptophan, which is neutral and slightly polar, at codon 2428 of the SZT2 protein (p.Arg2428Trp). This variant is present in population databases (no rsID available, gnomAD 0.0009%). This variant has not been reported in the literature in individuals affected with SZT2-related conditions. ClinVar contains an entry for this variant (Variation ID: 1007874). Algorithms developed to predict the effect of missense changes on protein structure and function (SIFT, PolyPhen-2, Align-GVGD) all suggest that this variant is likely to be disruptive. In summary, the available evidence is currently insufficient to determine the role of this variant in disease. Therefore, it has been classified as a Variant of Uncertain Significance.